The following is an entry in ClinVar:

NM_006086.4(TUBB3):c.1076G>A (p.Arg359His)

Gene: TUBB3 (tubulin beta 3 class III; plus strand). Cytogenetic location: 16q24.3.
Variant type: single nucleotide variant.
Coding change: c.1076G>A on transcript NM_006086.4 (MANE Select); coding-DNA position 1076, G replaced by A.
Protein change: p.Arg359His; replaces arginine 359 with histidine.
Molecular consequence: missense variant.
Genome position (GRCh38, 1-based): chr16:89,935,527, G>A. VCF-style: chr16-89935527-G-A. GRCh37 (hg19) VCF-style: chr16-90001935-G-A.
Other names: c.860G>A, p.Arg287His (NM_001197181.2); short protein forms R287H, R359H.
Identifiers: ClinVar variation 4851396 (VCV004851396.1).

ClinVar aggregate classification (germline): Likely benign (1 of 4 stars; one submission).

Conditions:
Complex cortical dysplasia with other brain malformations 1. Identifiers: Orphanet 300570, MedGen C3808397, MONDO:0013541, OMIM 614039.

gnomAD v4.1: 5 of 1,614,146 alleles (0.00031%); highest among the groups gnomAD compares: East Asian, 0.0022%; no homozygotes.

Submission:

Centre for Medical Genetics,  Mumbai
Classification: Likely benign for Complex cortical dysplasia with other brain malformations 1. Last evaluated: 2026-04-18. Review status: criteria provided, single submitter. Criteria: ACMG Guidelines, 2015. Collection method: provider interpretation. Allele origin: germline. Inheritance: Autosomal dominant inheritance. Affected: no. Observed: 1 variant allele, 1 homozygote.
Comment: The variant satisfies PM1 criteria - non-truncating non-synonymous variant is located in a mutational hot spot and/or critical and well-established functional domain. The variant satisfies PP2 criteria - missense variant in a gene with low rate of benign missense mutations and for which missense mutation is a common mechanism of a disease. The variant satisfies PM2 criteria - extremely low frequency in gnomAD population databases. However, the variant satisfies BS2 criteria - present in homozygous state in an individual that clinically does not have cortical dysplasia.

Literature cited by the submitters: PubMed 20829227.